The following is an entry in ClinVar:

ClinVar aggregate classification (germline): Uncertain significance (1 of 4 stars; one submission).

Conditions:
TRMU-related disorder. Also called: TRMU-related condition.

gnomAD v4.1: 48 of 1,613,998 alleles (0.003%); highest among the groups gnomAD compares: Non-Finnish European, 0.004%; no homozygotes.

Submission:

PreventionGenetics, part of Exact Sciences
Classification: Uncertain significance for TRMU-related condition. Last evaluated: 2022-10-07. Review status: criteria provided, single submitter. Criteria: ACMG Guidelines, 2015. Collection method: clinical testing. Allele origin: germline.
Comment: The TRMU c.1054G>T variant is predicted to result in the amino acid substitution p.Val352Leu. To our knowledge, this variant has not been reported in the literature. This variant is reported in 0.0053% of alleles in individuals of European (Non-Finnish) descent in gnomAD. At this time, the clinical significance of this variant is uncertain due to the absence of conclusive functional and genetic evidence.

NM_018006.5(TRMU):c.1054G>T (p.Val352Leu)

Gene: TRMU (tRNA mitochondrial 2-thiouridylase; plus strand). Cytogenetic location: 22q13.31.
Variant type: single nucleotide variant.
Coding change: c.1054G>T on transcript NM_018006.5 (MANE Select); coding-DNA position 1054, G replaced by T.
Protein change: p.Val352Leu; replaces valine 352 with leucine.
Molecular consequence: missense variant. On other transcripts: non-coding transcript variant (2), intron variant (2).
Genome position (GRCh38, 1-based): chr22:46,356,025, G>T. VCF-style: chr22-46356025-G-T. GRCh37 (hg19) VCF-style: chr22-46751922-G-T.
Other names: c.*498G>T (NM_001008568.2); c.*592G>T (NM_001008570.2); c.712G>T, p.Val238Leu (NM_001282782.2); c.634G>T, p.Val212Leu (NM_001282783.2); c.1018+437G>T (NM_001282785.2); c.598+437G>T (NM_001282784.2); short protein forms V212L, V238L, V352L.
Identifiers: ClinVar variation 2636648 (VCV002636648.1), dbSNP rs778354824, ClinGen allele CA10292395.
Genomic context (GRCh38, chr22:46,356,025, plus strand): 5'-CCAAGGGCCCCTCTCTTCTACCCAGTGCCCTGTGTGCTGACCCTCAATCAAGATGGCACC[G>T]TGTGGGTGACAGCTGTGCAGGCTGTGCGTGCCCTTGCCACAGGACAGGTGCGTGGGGTGT-3'
Protein context (NP_060476.2, residues 342-362): CVLTLNQDGT[Val352Leu]WVTAVQAVRA